The following is an entry in ClinVar:

NM_006080.3(SEMA3A):c.1815G>A (p.Leu605=)

Gene: SEMA3A (semaphorin 3A; minus strand). Cytogenetic location: 7q21.11.
Variant type: single nucleotide variant.
Coding change: c.1815G>A on transcript NM_006080.3 (MANE Select); coding-DNA position 1815, G replaced by A.
Protein change: p.Leu605=; no amino-acid change (leucine 605 retained).
Molecular consequence: synonymous variant.
Genome position (GRCh38, 1-based): chr7:83,963,250, C>T on the plus strand (G>A on the coding strand, the complement: SEMA3A is on the minus strand). VCF-style: chr7-83963250-C-T. GRCh37 (hg19) VCF-style: chr7-83592566-C-T.
Identifiers: ClinVar variation 3029137 (VCV003029137.2), dbSNP rs1381262195, ClinGen allele CA456143242.
Genomic context (GRCh38, chr7:83,963,250, plus strand): 5'-GTTTCATTCCTGTACCTCTTCTTTTCGCTCTTCATTTCGCCTCTGGAATTGCCAATAGAC[C>T]AGCGCTCTCTGCGACTTCGGACTGCATTCCAAAAATGTGCTACTATTCTCTACACCATAG-3'
Protein context (NP_006071.1, residues 595-615): LECSPKSQRA[Leu605=]VYWQFQRRNE

ClinVar aggregate classification (germline): Likely benign (0 of 4 stars; one submission).

Conditions:
SEMA3A-related disorder. Also called: SEMA3A-related condition.

Allele frequency attached by ClinVar (database versions not stated): TOPMed below 0.00001; gnomAD 0.00001; gnomAD exomes 0.00001.
gnomAD v4.1: 20 of 1,613,458 alleles (0.0012%); highest among the groups gnomAD compares: East Asian, 0.0022%; no homozygotes.

Submission:

PreventionGenetics, part of Exact Sciences
Classification: Likely benign for SEMA3A-related condition. Last evaluated: 2023-05-08. Review status: no assertion criteria provided. Collection method: clinical testing. Allele origin: germline.
Comment: This variant is classified as likely benign based on ACMG/AMP sequence variant interpretation guidelines (Richards et al. 2015 PMID: 25741868, with internal and published modifications).